The following is an entry in ClinVar:

NM_001013838.3(CARMIL2):c.1546G>A (p.Val516Met)

Gene: CARMIL2 (capping protein regulator and myosin 1 linker 2; plus strand). Cytogenetic location: 16q22.1.
Variant type: single nucleotide variant.
Coding change: c.1546G>A on transcript NM_001013838.3 (MANE Select); coding-DNA position 1546, G replaced by A.
Protein change: p.Val516Met; replaces valine 516 with methionine.
Molecular consequence: missense variant.
Genome position (GRCh38, 1-based): chr16:67,648,929, G>A. VCF-style: chr16-67648929-G-A. GRCh37 (hg19) VCF-style: chr16-67682832-G-A.
Other names: c.1438G>A, p.Val480Met (NM_001317026.3); c.1546G>A (NM_001013838.1); short protein forms V480M, V516M.
Identifiers: ClinVar variation 2500011 (VCV002500011.2), dbSNP rs762056084, ClinGen allele CA8113482.

ClinVar aggregate classification (germline): Uncertain significance. Review status: criteria provided, multiple submitters, no conflicts (2 of 4 stars). 2 submissions from 2 submitters: Uncertain significance (2). Last evaluated 2022-09-13.

Conditions:
Severe combined immunodeficiency due to CARMIL2 deficiency. Also called: IMMUNODEFICIENCY 58. Identifiers: Orphanet 542301, MedGen C4748304, MONDO:0029134, OMIM 618131.
CARMIL2-related disorder. Also called: CARMIL2-related condition.

Allele frequency attached by ClinVar (database versions not stated): gnomAD 0.00001; TOPMed 0.00001.
gnomAD v4.1: 11 of 1,609,474 alleles (0.00068%); highest among the groups gnomAD compares: Admixed American, 0.019%; no homozygotes.

Submissions (2):

PreventionGenetics, part of Exact Sciences
Classification: Uncertain significance for CARMIL2-related condition. Last evaluated: 2022-09-13. Review status: criteria provided, single submitter. Criteria: ACMG Guidelines, 2015. Collection method: clinical testing. Allele origin: germline.
Comment: The CARMIL2 c.1546G>A variant is predicted to result in the amino acid substitution p.Val516Met. To our knowledge, this variant has not been reported in the literature. This variant is reported in 0.018% of alleles in individuals of Latino descent in gnomAD. At this time, the clinical significance of this variant is uncertain due to the absence of conclusive functional and genetic evidence.

Center for Genomics, Ann and Robert H. Lurie Children's Hospital of Chicago
Classification: Uncertain significance for Severe combined immunodeficiency due to CARMIL2 deficiency. Last evaluated: 2021-12-22. Review status: criteria provided, single submitter. Criteria: ACMG Guidelines, 2015. Collection method: clinical testing. Allele origin: germline.
Comment: CARMIL2 NM_001013838.3 exon 17 p.Val516Met (c.1546G>A): This variant has not been reported in the literature, but is present in 0.02% (6/33686) of Latino alleles in the Genome Aggregation Database. Evolutionary conservation and computational predictive tools for this variant are unclear. In summary, data on this variant is insufficient for disease classification. Therefore, the clinical significance of this variant is uncertain.